The following is an entry in ClinVar:

NM_001018115.3(FANCD2):c.221C>T (p.Ala74Val)

Genes: FANCD2 (FA complementation group D2; plus strand), LOC107303338 (3p25 FANCD2 Alu-mediated recombination region; plus strand). Cytogenetic location: 3p25.3.
Variant type: single nucleotide variant.
Coding change: c.221C>T on transcript NM_001018115.3 (MANE Select); coding-DNA position 221, C replaced by T.
Protein change: p.Ala74Val; replaces alanine 74 with valine.
Molecular consequence: missense variant.
Genome position (GRCh38, 1-based): chr3:10,034,484, C>T. VCF-style: chr3-10034484-C-T. GRCh37 (hg19) VCF-style: chr3-10076168-C-T.
Other names: c.221C>T, p.Ala74Val (NM_001319984.2, NM_001374253.1, NM_001374254.1 and 2 more transcripts); short protein forms A74V.
Identifiers: ClinVar variation 1911120 (VCV001911120.2), dbSNP rs1322001072, ClinGen allele CA351720103.

ClinVar aggregate classification (germline): Uncertain significance (1 of 4 stars; one submission).

Conditions:
Fanconi anemia (FA). Also called: Fanconi's anemia. Identifiers: Orphanet 84, MedGen C0015625, MeSH D005199, MONDO:0019391.

Allele frequency attached by ClinVar (database versions not stated): gnomAD exomes below 0.00001; TOPMed below 0.00001; gnomAD 0.00001.
gnomAD v4.1: 3 of 1,612,280 alleles (0.00019%); highest among the groups gnomAD compares: African/African-American, 0.0027%; no homozygotes.

Submission:

Labcorp Genetics (formerly Invitae), Labcorp
Classification: Uncertain significance for Fanconi anemia. Last evaluated: 2022-08-05. Review status: criteria provided, single submitter. Criteria: Invitae Variant Classification Sherloc (09022015). Collection method: clinical testing. Allele origin: germline.
Comment: This sequence change replaces alanine, which is neutral and non-polar, with valine, which is neutral and non-polar, at codon 74 of the FANCD2 protein (p.Ala74Val). This variant is present in population databases (no rsID available, gnomAD 0.006%). This variant has not been reported in the literature in individuals affected with FANCD2-related conditions. Algorithms developed to predict the effect of missense changes on protein structure and function output the following: SIFT: "Tolerated"; PolyPhen-2: "Benign"; Align-GVGD: "Class C0". The valine amino acid residue is found in multiple mammalian species, which suggests that this missense change does not adversely affect protein function. In summary, the available evidence is currently insufficient to determine the role of this variant in disease. Therefore, it has been classified as a Variant of Uncertain Significance.